The following is an entry in ClinVar:

NM_000338.3(SLC12A1):c.1583A>G (p.Tyr528Cys)

Gene: SLC12A1 (solute carrier family 12 member 1; plus strand). Cytogenetic location: 15q21.1.
Variant type: single nucleotide variant.
Coding change: c.1583A>G on transcript NM_000338.3 (MANE Select); coding-DNA position 1583, A replaced by G.
Protein change: p.Tyr528Cys; replaces tyrosine 528 with cysteine.
Molecular consequence: missense variant.
Genome position (GRCh38, 1-based): chr15:48,247,359, A>G. VCF-style: chr15-48247359-A-G. GRCh37 (hg19) VCF-style: chr15-48539556-A-G.
Other names: c.1583A>G, p.Tyr528Cys (NM_001184832.2, NM_001384136.1); short protein forms Y528C.
Identifiers: ClinVar variation 1908048 (VCV001908048.3), dbSNP rs745451403, ClinGen allele CA7547150.

ClinVar aggregate classification (germline): Uncertain significance. Review status: criteria provided, multiple submitters, no conflicts (2 of 4 stars). 2 submissions from 2 submitters: Uncertain significance (2). Last evaluated 2024-01-16.

Conditions:
Bartter disease type 1. Also called: Bartter Syndrome type 1; HYPOKALEMIC ALKALOSIS WITH HYPERCALCIURIA 1, ANTENATAL; HYPERPROSTAGLANDIN E SYNDROME 1; Bartter syndrome, type 1, antenatal. Identifiers: Orphanet 112, Orphanet 620217, MedGen C1866495, MONDO:0100344, OMIM 601678, MONDO:0011127.

Allele frequency attached by ClinVar (database versions not stated): ExAC 0.00002; gnomAD exomes 0.00002; gnomAD 0.00003; TOPMed 0.00003.
gnomAD v4.1: 44 of 1,613,320 alleles (0.0027%); highest among the groups gnomAD compares: Middle Eastern, 0.049%; no homozygotes.

Submissions (2):

Fulgent Genetics
Classification: Uncertain significance for Bartter disease type 1. Last evaluated: 2024-01-16. Review status: criteria provided, single submitter. Criteria: ACMG Guidelines, 2015. Collection method: clinical testing. Allele origin: germline.

Labcorp Genetics (formerly Invitae), Labcorp
Classification: Uncertain significance. Last evaluated: 2022-08-16. Review status: criteria provided, single submitter. Criteria: Invitae Variant Classification Sherloc (09022015). Collection method: clinical testing. Allele origin: germline.
Comment: This sequence change replaces tyrosine, which is neutral and polar, with cysteine, which is neutral and slightly polar, at codon 528 of the SLC12A1 protein (p.Tyr528Cys). This variant is present in population databases (rs745451403, gnomAD 0.03%). This variant has not been reported in the literature in individuals affected with SLC12A1-related conditions. Algorithms developed to predict the effect of missense changes on protein structure and function (SIFT, PolyPhen-2, Align-GVGD) all suggest that this variant is likely to be disruptive. In summary, the available evidence is currently insufficient to determine the role of this variant in disease. Therefore, it has been classified as a Variant of Uncertain Significance.